The following is an entry in ClinVar:

NM_006790.3(MYOT):c.1363C>T (p.Arg455Trp)

Genes: MYOT (myotilin; plus strand), PKD2L2-DT (PKD2L2 divergent transcript; minus strand). Cytogenetic location: 5q31.2.
Variant type: single nucleotide variant.
Coding change: c.1363C>T on transcript NM_006790.3 (MANE Select); coding-DNA position 1363, C replaced by T.
Protein change: p.Arg455Trp; replaces arginine 455 with tryptophan.
Molecular consequence: missense variant.
Genome position (GRCh38, 1-based): chr5:137,887,251, C>T. VCF-style: chr5-137887251-C-T. GRCh37 (hg19) VCF-style: chr5-137222940-C-T.
Other names: c.811C>T, p.Arg271Trp (NM_001135940.2); c.1018C>T, p.Arg340Trp (NM_001300911.2); short protein forms R271W, R340W, R455W.
Identifiers: ClinVar variation 2498054 (VCV002498054.4), dbSNP rs761598206, ClinGen allele CA128108396.

ClinVar aggregate classification (germline): Uncertain significance. Review status: criteria provided, multiple submitters, no conflicts (2 of 4 stars). 2 submissions from 2 submitters: Uncertain significance (2). Last evaluated 2024-06-10.

Conditions:
Myofibrillar myopathy 3 (MFM3). Also called: Autosomal dominant spheroid body myopathy; Muscular dystrophy, proximal, type 1A. Identifiers: Orphanet 266, Orphanet 268129, MedGen C3714934, MONDO:0012215, OMIM 609200.

Allele frequency attached by ClinVar (database versions not stated): TOPMed below 0.00001; gnomAD exomes 0.00001.
gnomAD v4.1: 22 of 1,614,006 alleles (0.0014%); highest among the groups gnomAD compares: South Asian, 0.0044%; no homozygotes.

Submissions (2):

Labcorp Genetics (formerly Invitae), Labcorp
Classification: Uncertain significance for Myofibrillar myopathy 3. Last evaluated: 2024-06-10. Review status: criteria provided, single submitter. Criteria: Invitae Variant Classification Sherloc (09022015). Collection method: clinical testing. Allele origin: germline.
Comment: This sequence change replaces arginine, which is basic and polar, with tryptophan, which is neutral and slightly polar, at codon 455 of the MYOT protein (p.Arg455Trp). This variant is present in population databases (rs761598206, gnomAD 0.003%). This variant has not been reported in the literature in individuals affected with MYOT-related conditions. ClinVar contains an entry for this variant (Variation ID: 2498054). An algorithm developed to predict the effect of missense changes on protein structure and function (PolyPhen-2) suggests that this variant is likely to be disruptive. Algorithms developed to predict the effect of sequence changes on RNA splicing suggest that this variant may disrupt the consensus splice site. In summary, the available evidence is currently insufficient to determine the role of this variant in disease. Therefore, it has been classified as a Variant of Uncertain Significance.

GeneDx
Classification: Uncertain significance. Last evaluated: 2022-10-06. Review status: criteria provided, single submitter. Criteria: GeneDx Variant Classification Process June 2021. Collection method: clinical testing. Allele origin: germline. Affected: yes.
Comment: Not observed at significant frequency in large population cohorts (gnomAD); Missense variants in this gene are often considered pathogenic (HGMD); In silico analysis supports that this missense variant has a deleterious effect on protein structure/function; Has not been previously published as pathogenic or benign to our knowledge